The following is an entry in ClinVar:

NM_002241.5(KCNJ10):c.115G>A (p.Val39Met)

Gene: KCNJ10 (potassium inwardly rectifying channel subfamily J member 10; minus strand). Cytogenetic location: 1q23.2.
Variant type: single nucleotide variant.
Coding change: c.115G>A on transcript NM_002241.5 (MANE Select); coding-DNA position 115, G replaced by A.
Protein change: p.Val39Met; replaces valine 39 with methionine.
Molecular consequence: missense variant.
Genome position (GRCh38, 1-based): chr1:160,042,418, C>T on the plus strand (G>A on the coding strand, the complement: KCNJ10 is on the minus strand). VCF-style: chr1-160042418-C-T. GRCh37 (hg19) VCF-style: chr1-160012208-C-T.
Other names: short protein forms V39M.
Identifiers: ClinVar variation 1335935 (VCV001335935.11), dbSNP rs1274663711, ClinGen allele CA343230174.
Genomic context (GRCh38, chr1:160,042,418, plus strand): 5'-AGGTTGTCCACAGGTCCTTGAGGTAGAGGAAGCGCTTGTCGGCAATGTGCTCCATTCTCA[C>T]GTTGCTGCGACCATCTTTTGTCAGGACTCTCCGCCGTCGTATCCCTGGGCCCATTAGGGG-3'
Protein context (NP_002232.2, residues 29-49): RVLTKDGRSN[Val39Met]RMEHIADKRF

ClinVar aggregate classification (germline): Conflicting classifications of pathogenicity. Review status: criteria provided, conflicting classifications (1 of 4 stars). 4 submissions from 4 submitters: Likely pathogenic (1); Uncertain significance (3). Last evaluated 2023-11-15.

Conditions:
Inborn genetic diseases. Identifiers: MedGen C0950123, MeSH D030342.
EAST syndrome (SESAMES). Also called: SEIZURES, SENSORINEURAL DEAFNESS, ATAXIA, IMPAIRED INTELLECTUAL DEVELOPMENT, AND ELECTROLYTE IMBALANCE. Identifiers: Orphanet 199343, MedGen C2748572, MONDO:0013005, OMIM 612780.
Seizure. Also called: Seizures. Identifiers: MedGen C0036572, HP:0001250.

Allele frequency attached by ClinVar (database versions not stated): gnomAD exomes below 0.00001; TOPMed below 0.00001; gnomAD 0.00001.
gnomAD v4.1: 10 of 1,614,116 alleles (0.00062%); highest among the groups gnomAD compares: Non-Finnish European, 0.00068%; no homozygotes.

Submissions (4):

Cytogénomique, Hospices Civils de Lyon
Classification: Uncertain significance for Seizures. Last evaluated: 2023-11-15. Review status: criteria provided, single submitter. Criteria: ACMG Guidelines, 2015. Collection method: clinical testing. Allele origin: maternal. Affected: yes. Observed: 1 variant allele, 1 compound heterozygote.

Labcorp Genetics (formerly Invitae), Labcorp
Classification: Uncertain significance for EAST syndrome. Last evaluated: 2022-06-24. Review status: criteria provided, single submitter. Criteria: Invitae Variant Classification Sherloc (09022015). Collection method: clinical testing. Allele origin: germline.
Comment: This sequence change replaces valine, which is neutral and non-polar, with methionine, which is neutral and non-polar, at codon 39 of the KCNJ10 protein (p.Val39Met). This variant is present in population databases (no rsID available, gnomAD 0.0009%). This variant has not been reported in the literature in individuals affected with KCNJ10-related conditions. ClinVar contains an entry for this variant (Variation ID: 1335935). Algorithms developed to predict the effect of missense changes on protein structure and function are either unavailable or do not agree on the potential impact of this missense change (SIFT: "Deleterious"; PolyPhen-2: "Possibly Damaging"; Align-GVGD: "Class C15"). In summary, the available evidence is currently insufficient to determine the role of this variant in disease. Therefore, it has been classified as a Variant of Uncertain Significance.

Ambry Genetics
Classification: Uncertain significance for Inborn genetic diseases. Last evaluated: 2021-04-08. Review status: criteria provided, single submitter. Criteria: Ambry Variant Classification Scheme 2023. Collection method: clinical testing. Allele origin: germline.
Comment: The c.115G>A (p.V39M) alteration is located in exon 2 (coding exon 1) of the KCNJ10 gene. This alteration results from a G to A substitution at nucleotide position 115, causing the valine (V) at amino acid position 39 to be replaced by a methionine (M). The in silico prediction for the p.V39M alteration is inconclusive. Based on insufficient or conflicting evidence, the clinical significance of this alteration remains unclear.

Genetic Services Laboratory, University of Chicago
Classification: Likely pathogenic. Last evaluated: 2020-01-02. Review status: criteria provided, single submitter. Criteria: ACMG Guidelines, 2015. Collection method: clinical testing. Allele origin: germline. Affected: yes.
Comment: This sequence change does not appear to have been previously described in patients with KCNJ10-related disorders. This particular sequence change has been described in the gnomAD database in one individual which corresponds to a population frequency of 0.00040% (dbSNP rs1274663711). The p.Val39Met change affects a highly conserved amino acid residue located in a domain of the KCNJ10 protein that is known to be functional. The p.Val39Met substitution appears to be deleterious using several in-silico pathogenicity prediction tools (SIFT, PolyPhen2, Align GVGD, REVEL). Due to the lack of functional studies, the clinical significance of the p.Val39Met change remains unknown at this time.